The following is an entry in ClinVar:

ClinVar aggregate classification (germline): Benign/Likely benign. Review status: criteria provided, multiple submitters, no conflicts (2 of 4 stars). 4 submissions from 4 submitters: Benign (2); Likely benign (2). Last evaluated 2026-02-01.

Conditions:
Welander distal myopathy (WDM). Also called: Gower's muscular dystrophy; MUSCULAR DYSTROPHY, DISTAL, LATE-ONSET, AUTOSOMAL DOMINANT; Welander distal myopathy, Swedish type; Distal myopathy, Swedish type. Identifiers: Orphanet 603, MedGen C0221054, MONDO:0011466, OMIM 604454.

Allele frequency attached by ClinVar (database versions not stated): ExAC 0.00198; 1000 Genomes Project 30x 0.00718; gnomAD exomes 0.00162; 1000 Genomes Project 0.00679; gnomAD 0.00661 and 0.00621; TOPMed 0.00697; ESP Exome Variant Server 0.00761.
gnomAD v4.1: 1,805 of 1,613,906 alleles (0.11%); highest among the groups gnomAD compares: African/African-American, 2.1%; 12 homozygotes.

Submissions (4):

Labcorp Genetics (formerly Invitae), Labcorp
Classification: Benign for Welander distal myopathy. Last evaluated: 2026-02-01. Review status: criteria provided, single submitter. Criteria: Invitae Variant Classification Sherloc (09022015). Collection method: clinical testing. Allele origin: germline.

GeneDx
Classification: Likely benign. Last evaluated: 2024-12-04. Review status: criteria provided, single submitter. Criteria: GeneDx Variant Classification Process June 2021. Collection method: clinical testing. Allele origin: germline.
Comment: See Variant Classification Assertion Criteria.

Mayo Clinic Laboratories, Mayo Clinic
Classification: Benign. Last evaluated: 2023-02-22. Review status: criteria provided, single submitter. Criteria: ACMG Guidelines, 2015. Collection method: clinical testing. Allele origin: germline. Observed: 2 variant alleles.
Comment: BS1, BS2, BP4

Breakthrough Genomics
Classification: Likely benign. Review status: criteria provided, single submitter. Criteria: ACMG Guidelines, 2015. Collection method: not provided. Allele origin: germline. Inheritance: Autosomal recessive inheritance. Affected: yes.

NM_022173.4(TIA1):c.947C>G (p.Ala316Gly)

Gene: TIA1 (TIA1 cytotoxic granule associated RNA binding protein; minus strand). Cytogenetic location: 2p13.3.
Variant type: single nucleotide variant.
Coding change: c.947C>G on transcript NM_022173.4 (MANE Select); coding-DNA position 947, C replaced by G.
Protein change: p.Ala316Gly; replaces alanine 316 with glycine.
Molecular consequence: missense variant. On other transcripts: non-coding transcript variant (17).
Genome position (GRCh38, 1-based): chr2:70,214,436, G>C on the plus strand (C>G on the coding strand, the complement: TIA1 is on the minus strand). VCF-style: chr2-70214436-G-C. GRCh37 (hg19) VCF-style: chr2-70441568-G-C.
Other names: p.Ala316Gly; c.944C>G, p.Ala315Gly (NM_001351508.2); c.920C>G, p.Ala307Gly (NM_001351509.2); c.911C>G, p.Ala304Gly (NM_001351510.2); c.836C>G, p.Ala279Gly (NM_001351511.1); c.809C>G, p.Ala270Gly (NM_001351512.1); c.803C>G, p.Ala268Gly (NM_001351513.1); c.719C>G, p.Ala240Gly (NM_001351514.2); and 4 more; short protein forms A316G, A268G, A270G, A305G, A279G, A304G, A307G, A315G.
Identifiers: ClinVar variation 458843 (VCV000458843.18), dbSNP rs116828570, ClinGen allele CA1697438.